The following is an entry in ClinVar:

ClinVar aggregate classification (germline): Uncertain significance. Review status: criteria provided, multiple submitters, no conflicts (2 of 4 stars). 4 submissions from 4 submitters: Uncertain significance (3). 1 of the submissions does not count toward it. Last evaluated 2025-12-17.

Conditions:
Dyskeratosis congenita. Identifiers: Orphanet 1775, MedGen C0265965, MONDO:0015780.
Pulmonary fibrosis and/or bone marrow failure, Telomere-related, 3. Also called: PULMONARY FIBROSIS AND/OR BONE MARROW FAILURE SYNDROME, TELOMERE-RELATED, 3. Identifiers: Orphanet 2032, MedGen C4225346, MONDO:0014613, OMIM 616373.
Dyskeratosis congenita, autosomal recessive 5 (DKCB5). Identifiers: MedGen C3554656, MONDO:0014076, OMIM 615190.

Allele frequency attached by ClinVar (database versions not stated): gnomAD exomes 0.00001; TOPMed 0.00001.

Submissions (4):

Labcorp Genetics (formerly Invitae), Labcorp
Classification: Uncertain significance for Dyskeratosis congenita, autosomal recessive 5; Pulmonary fibrosis and/or bone marrow failure, Telomere-related, 3. Last evaluated: 2025-12-17. Review status: criteria provided, single submitter. Criteria: Invitae Variant Classification Sherloc (09022015). Collection method: clinical testing. Allele origin: germline.
Comment: This sequence change replaces proline, which is neutral and non-polar, with leucine, which is neutral and non-polar, at codon 564 of the RTEL1 protein (p.Pro564Leu). This variant is present in population databases (no rsID available, gnomAD 0.002%). This variant has not been reported in the literature in individuals affected with RTEL1-related conditions. ClinVar contains an entry for this variant (Variation ID: 1011001). An algorithm developed to predict the effect of missense changes on protein structure and function (PolyPhen-2) suggests that this variant is likely to be disruptive. In summary, the available evidence is currently insufficient to determine the role of this variant in disease. Therefore, it has been classified as a Variant of Uncertain Significance.

GeneDx
Classification: Uncertain significance. Last evaluated: 2024-11-12. Review status: criteria provided, single submitter. Criteria: GeneDx Variant Classification Process June 2021. Collection method: clinical testing. Allele origin: germline. Affected: yes.
Comment: Not observed at significant frequency in large population cohorts (gnomAD); In silico analysis supports that this missense variant has a deleterious effect on protein structure/function; Has not been previously published as pathogenic or benign to our knowledge

Blueprint Genetics
Classification: Uncertain significance. Last evaluated: 2022-07-01. Review status: criteria provided, single submitter. Criteria: ACMG Guidelines, 2015. Collection method: clinical testing. Allele origin: germline.

Natera, Inc.
Classification: Uncertain significance for Dyskeratosis congenita. Last evaluated: 2021-03-09. Review status: no assertion criteria provided. Collection method: clinical testing. Allele origin: germline. Not counted in ClinVar's aggregate classification.

NM_001283009.2(RTEL1):c.1691C>T (p.Pro564Leu)

Genes: RTEL1 (regulator of telomere elongation helicase 1; plus strand), RTEL1-TNFRSF6B (RTEL1-TNFRSF6B readthrough (NMD candidate); plus strand). Cytogenetic location: 20q13.33.
Variant type: single nucleotide variant.
Coding change: c.1691C>T on transcript NM_001283009.2 (MANE Select); coding-DNA position 1691, C replaced by T.
Protein change: p.Pro564Leu; replaces proline 564 with leucine.
Molecular consequence: missense variant. On other transcripts: non-coding transcript variant (1).
Genome position (GRCh38, 1-based): chr20:63,688,355, C>T. VCF-style: chr20-63688355-C-T. GRCh37 (hg19) VCF-style: chr20-62319708-C-T.
Other names: c.1022C>T, p.Pro341Leu (NM_001283010.1); c.1691C>T, p.Pro564Leu (NM_016434.4); c.1763C>T, p.Pro588Leu (NM_032957.5); short protein forms P341L, P564L, P588L.
Identifiers: ClinVar variation 1011001 (VCV001011001.7), dbSNP rs1189892333, ClinGen allele CA409677728.